The following is an entry in ClinVar:

NM_014669.5(NUP93):c.1100C>T (p.Thr367Met)

Gene: NUP93 (nucleoporin 93; plus strand). Cytogenetic location: 16q13.
Variant type: single nucleotide variant.
Coding change: c.1100C>T on transcript NM_014669.5 (MANE Select); coding-DNA position 1100, C replaced by T.
Protein change: p.Thr367Met; replaces threonine 367 with methionine.
Molecular consequence: missense variant.
Genome position (GRCh38, 1-based): chr16:56,831,856, C>T. VCF-style: chr16-56831856-C-T. GRCh37 (hg19) VCF-style: chr16-56865768-C-T.
Other names: c.731C>T, p.Thr244Met (NM_001242795.2, NM_001242796.2); short protein forms T244M, T367M.
Identifiers: ClinVar variation 1433779 (VCV001433779.4), dbSNP rs776322514, ClinGen allele CA8068326.

ClinVar aggregate classification (germline): Uncertain significance (1 of 4 stars; one submission).

Allele frequency attached by ClinVar (database versions not stated): ExAC 0.00008; gnomAD 0.00008 and 0.00009; gnomAD exomes 0.00008 and 0.00012; TOPMed 0.00008.
gnomAD v4.1: 182 of 1,613,824 alleles (0.011%); highest among the groups gnomAD compares: Middle Eastern, 0.016%; no homozygotes.

Submission:

Labcorp Genetics (formerly Invitae), Labcorp
Classification: Uncertain significance. Last evaluated: 2024-03-14. Review status: criteria provided, single submitter. Criteria: Invitae Variant Classification Sherloc (09022015). Collection method: clinical testing. Allele origin: germline.
Comment: This sequence change replaces threonine, which is neutral and polar, with methionine, which is neutral and non-polar, at codon 367 of the NUP93 protein (p.Thr367Met). This variant is present in population databases (rs776322514, gnomAD 0.01%). This variant has not been reported in the literature in individuals affected with NUP93-related conditions. ClinVar contains an entry for this variant (Variation ID: 1433779). Advanced modeling of protein sequence and biophysical properties (such as structural, functional, and spatial information, amino acid conservation, physicochemical variation, residue mobility, and thermodynamic stability) performed at Invitae indicates that this missense variant is not expected to disrupt NUP93 protein function with a negative predictive value of 80%. In summary, the available evidence is currently insufficient to determine the role of this variant in disease. Therefore, it has been classified as a Variant of Uncertain Significance.